The following is an entry in ClinVar:

ClinVar aggregate classification (germline): Pathogenic. Review status: criteria provided, multiple submitters, no conflicts (2 of 4 stars). 2 submissions from 2 submitters: Pathogenic (2). Last evaluated 2023-02-23.

Conditions:
Aspartylglucosaminuria (AGU). Also called: Aspartylglucos-aminuria; Aspartylglucos-amidase (AGA) deficiency; GLYCOASPARAGINASE; GLYCOSYLASPARAGINASE DEFICIENCY; AGA DEFICIENCY. Identifiers: Orphanet 93, MedGen C0268225, MONDO:0008830, OMIM 208400, HP:0012068.

Submissions (2):

3billion
Classification: Pathogenic for Aspartylglucosaminuria. Last evaluated: 2023-02-23. Review status: criteria provided, single submitter. Criteria: ACMG Guidelines, 2015. Collection method: clinical testing. Allele origin: unknown. Affected: yes.
Comment: The variant is observed at an extremely low frequency in the gnomAD v2.1.1 dataset (total allele frequency: 0.002%). This variant was predicted to result in a loss or disruption of normal protein function through nonsense-mediated decay (NMD) or protein truncation. Multiple pathogenic variants are reported downstream of the variant. Therefore, this variant is classified as Pathogenic according to the recommendation of ACMG/AMP guideline.

Labcorp Genetics (formerly Invitae), Labcorp
Classification: Pathogenic for Aspartylglucosaminuria. Last evaluated: 2022-03-09. Review status: criteria provided, single submitter. Criteria: Invitae Variant Classification Sherloc (09022015). Collection method: clinical testing. Allele origin: germline.
Comment: For these reasons, this variant has been classified as Pathogenic. This variant has not been reported in the literature in individuals affected with AGA-related conditions. This variant is present in population databases (rs754336186, gnomAD 0.01%). This sequence change creates a premature translational stop signal (p.Ala19Profs*2) in the AGA gene. It is expected to result in an absent or disrupted protein product. Loss-of-function variants in AGA are known to be pathogenic (PMID: 7627186, 11309371).

Literature cited by the submitters: PubMed 7627186 (cited by Labcorp Genetics (formerly Invitae), Labcorp); PubMed 11309371 (cited by Labcorp Genetics (formerly Invitae), Labcorp).

NM_000027.4(AGA):c.55del (p.Ala19fs)

Gene: AGA (aspartylglucosaminidase; minus strand). Cytogenetic location: 4q34.3.
Variant type: Deletion.
Coding change: c.55del on transcript NM_000027.4 (MANE Select); coding-DNA position 55, one base deleted (G; older notation c.55delG).
Protein change: p.Ala19fs; shifts the reading frame from alanine 19.
Molecular consequence: frameshift variant. On other transcripts: non-coding transcript variant (1).
Genome position (GRCh38, 1-based): chr4:177,442,321, C deleted on the plus strand (G on the coding strand, the reverse complement: AGA is on the minus strand); the first of 2 consecutive C bases (chr4:177,442,321-177,442,322); deleting either gives the same sequence. VCF-style (leftmost placement, unchanged base first): chr4-177442320-GC-G. GRCh37 (hg19) VCF-style: chr4-178363474-GC-G.
Other names: c.55del, p.Ala19fs (NM_001171988.2); short protein forms A19fs.
Identifiers: ClinVar variation 2108081 (VCV002108081.5), dbSNP rs754336186, ClinGen allele CA3147062.